The following is an entry in ClinVar:

NM_014049.5(ACAD9):c.347-149G>A

Gene: ACAD9 (acyl-CoA dehydrogenase family member 9; plus strand). Cytogenetic location: 3q21.3.
Variant type: single nucleotide variant.
Coding change: c.347-149G>A on transcript NM_014049.5 (MANE Select); 149 bases into the intron before coding-DNA position 347, G replaced by A.
Molecular consequence: intron variant.
Genome position (GRCh38, 1-based): chr3:128,895,161, G>A. VCF-style: chr3-128895161-G-A. GRCh37 (hg19) VCF-style: chr3-128614004-G-A.
Identifiers: ClinVar variation 676185 (VCV000676185.2), dbSNP rs143463639, ClinGen allele CA11377458.

ClinVar aggregate classification (germline): Benign. Review status: criteria provided, multiple submitters, no conflicts (2 of 4 stars). 2 submissions from 2 submitters: Benign (2). Last evaluated 2018-06-14.

Allele frequency attached by ClinVar (database versions not stated): 1000 Genomes Project 0.01997; 1000 Genomes Project 30x 0.02092; TOPMed 0.04032; gnomAD 0.04081 and 0.04229; gnomAD exomes 0.04615.
gnomAD v4.1: 31,842 of 704,176 alleles (4.5%); highest among the groups gnomAD compares: Non-Finnish European, 5.7%; 983 homozygotes.

Submissions (2):

GeneDx
Classification: Benign. Last evaluated: 2018-06-14. Review status: criteria provided, single submitter. Criteria: GeneDx Variant Classification (06012015). Collection method: clinical testing. Allele origin: germline. Affected: yes.
Comment: This variant is considered likely benign or benign based on one or more of the following criteria: it is a conservative change, it occurs at a poorly conserved position in the protein, it is predicted to be benign by multiple in silico algorithms, and/or has population frequency not consistent with disease.

Breakthrough Genomics
Classification: Benign. Review status: criteria provided, single submitter. Criteria: ACMG Guidelines, 2015. Collection method: not provided. Allele origin: germline. Inheritance: Autosomal recessive inheritance. Affected: yes.